The following is an entry in ClinVar:

ClinVar aggregate classification (germline): Uncertain significance. Review status: criteria provided, multiple submitters, no conflicts (2 of 4 stars). 8 submissions from 8 submitters: Uncertain significance (8). Last evaluated 2026-01-24.

Conditions:
Cardiovascular phenotype. Identifiers: MedGen CN230736.
Catecholaminergic polymorphic ventricular tachycardia 5 (CARDAR). Also called: Ventricular tachycardia, catecholaminergic polymorphic, 5, with or without muscle weakness; CARDIAC ARRHYTHMIA SYNDROME, WITH OR WITHOUT SKELETAL MUSCLE WEAKNESS. Identifiers: Orphanet 3286, MedGen C3809536, MONDO:0014191, OMIM 615441.
Catecholaminergic polymorphic ventricular tachycardia 1. Also called: RYR2-Related Catecholaminergic Polymorphic Ventricular Tachycardia; VENTRICULAR TACHYCARDIA, CATECHOLAMINERGIC POLYMORPHIC, 1, WITH OR WITHOUT ATRIAL DYSFUNCTION AND/OR DILATED CARDIOMYOPATHY; VENTRICULAR TACHYCARDIA, STRESS-INDUCED POLYMORPHIC 1. Identifiers: Orphanet 3286, MedGen C1631597, MONDO:0011484, OMIM 604772.

Allele frequency attached by ClinVar (database versions not stated): ESP Exome Variant Server 0.00008; gnomAD exomes 0.00008 and 0.00014; ExAC 0.00016; gnomAD 0.00019 and 0.00021; TOPMed 0.00027; 1000 Genomes Project 30x 0.00094; 1000 Genomes Project 0.00100.
gnomAD v4.1: 151 of 1,607,502 alleles (0.0094%); highest among the groups gnomAD compares: African/African-American, 0.091%; 1 homozygote.

Submissions (8):

Labcorp Genetics (formerly Invitae), Labcorp
Classification: Uncertain significance for Catecholaminergic polymorphic ventricular tachycardia 1. Last evaluated: 2026-01-24. Review status: criteria provided, single submitter. Criteria: Invitae Variant Classification Sherloc (09022015). Collection method: clinical testing. Allele origin: germline.
Comment: This sequence change falls in intron 25 of the TRDN gene. It does not directly change the encoded amino acid sequence of the TRDN protein. It affects a nucleotide within the consensus splice site. This variant is present in population databases (rs189125299, gnomAD 0.08%), including at least one homozygous and/or hemizygous individual. This variant has not been reported in the literature in individuals affected with TRDN-related conditions. ClinVar contains an entry for this variant (Variation ID: 408727). Variants that disrupt the consensus splice site are a relatively common cause of aberrant splicing (PMID: 17576681, 9536098). Algorithms developed to predict the effect of sequence changes on RNA splicing suggest that this variant may disrupt the consensus splice site. In summary, the available evidence is currently insufficient to determine the role of this variant in disease. Therefore, it has been classified as a Variant of Uncertain Significance.

Ambry Genetics
Classification: Uncertain significance for Cardiovascular phenotype. Last evaluated: 2025-10-30. Review status: criteria provided, single submitter. Criteria: Ambry Variant Classification Scheme 2023. Collection method: clinical testing. Allele origin: germline.
Comment: The c.1537+1G>A intronic variant results from a G to A substitution one nucleotide after coding exon 25 of the TRDN gene. This nucleotide position is well conserved in available vertebrate species. In silico splice site analysis predicts that this alteration will weaken the native splice donor site. Alterations that disrupt the canonical splice site are expected to cause aberrant splicing, resulting in an abnormal protein or a transcript that is subject to nonsense-mediated mRNA decay. However, this alteration does not impact the predominant cardiac isoform of TRDN (NM_001256021.1; Kobayashi YM et al. J. Biol. Chem., 1999 Oct;274:28660-8). Since supporting evidence is limited at this time, the clinical significance of this alteration remains unclear.

Women's Health and Genetics/Laboratory Corporation of America, LabCorp
Classification: Uncertain significance. Last evaluated: 2024-02-27. Review status: criteria provided, single submitter. Criteria: LabCorp Variant Classification Summary - May 2015. Collection method: clinical testing. Allele origin: germline.
Comment: Variant summary: TRDN c.1537+1G>A is located in a canonical splice-site and is predicted to affect mRNA splicing resulting in a significantly altered protein due to either exon skipping, shortening, or inclusion of intronic material. Several computational tools predict a significant impact on normal splicing: Three predict the variant abolishes a 5' splicing donor site. However, the main TRDN isoform expressed in the heart (NM_001256021.1) is not impacted by this alteration and these predictions have yet to be confirmed by functional studies. The variant allele was found at a frequency of 0.00014 in 245594 control chromosomes in the gnomAD database, including 1 homozygote. This frequency is not significantly higher than estimated for a pathogenic variant in TRDN causing Catecholaminergic Polymorphic Ventricular Tachycardia (0.00014 vs 0.0016), allowing no conclusion about variant significance. To our knowledge, no occurrence of c.1537+1G>A in individuals affected with Catecholaminergic Polymorphic Ventricular Tachycardia and no experimental evidence demonstrating its impact on protein function have been reported. ClinVar contains an entry for this variant (Variation ID: 408727). Based on the evidence outlined above, the variant was classified as uncertain significance.

Blueprint Genetics
Classification: Uncertain significance. Last evaluated: 2023-11-10. Review status: criteria provided, single submitter. Criteria: ACMG Guidelines, 2015. Collection method: clinical testing. Allele origin: germline.

Fulgent Genetics
Classification: Uncertain significance for Catecholaminergic polymorphic ventricular tachycardia 1; Catecholaminergic polymorphic ventricular tachycardia 5. Last evaluated: 2022-04-04. Review status: criteria provided, single submitter. Criteria: ACMG Guidelines, 2015. Collection method: clinical testing. Allele origin: unknown.

AiLife Diagnostics
Classification: Uncertain significance. Last evaluated: 2021-07-22. Review status: criteria provided, single submitter. Criteria: ACMG Guidelines, 2015. Collection method: clinical testing. Allele origin: germline. Affected: yes. Observed: 1 variant allele.

GeneDx
Classification: Uncertain significance. Last evaluated: 2021-05-26. Review status: criteria provided, single submitter. Criteria: GeneDx Variant Classification Process June 2021. Collection method: clinical testing. Allele origin: germline. Affected: yes.
Comment: Has not been previously published as pathogenic or benign to our knowledge

Breakthrough Genomics
Classification: Uncertain significance. Review status: criteria provided, single submitter. Criteria: ACMG Guidelines, 2015. Collection method: not provided. Allele origin: germline. Inheritance: Autosomal recessive inheritance. Affected: yes.

Literature cited by the submitters: PubMed 17576681 (cited by Labcorp Genetics (formerly Invitae), Labcorp); PubMed 9536098 (cited by Labcorp Genetics (formerly Invitae), Labcorp).

NM_006073.4(TRDN):c.1537+1G>A

Gene: TRDN (triadin; minus strand). Cytogenetic location: 6q22.31.
Variant type: single nucleotide variant.
Coding change: c.1537+1G>A on transcript NM_006073.4 (MANE Select); the canonical splice donor site of the intron after coding-DNA position 1537, G replaced by A.
Molecular consequence: splice donor variant.
Genome position (GRCh38, 1-based): chr6:123,279,055, C>T on the plus strand (G>A on the coding strand, the complement: TRDN is on the minus strand). VCF-style: chr6-123279055-C-T. GRCh37 (hg19) VCF-style: chr6-123600200-C-T.
Identifiers: ClinVar variation 408727 (VCV000408727.23), dbSNP rs189125299, ClinGen allele CA3983886.
Genomic context (GRCh38, chr6:123,279,055, plus strand): 5'-TTGTTTTATGTATGTATGTACATATGTACGTGTTTGTTTATTGAGCATGCATATAACATA[C>T]GTGGAGGTTTAGGCTTGACTTCTTTGCCTAGAAAAAAGTAAAAAAATTATTAAAGGCTGA-3'